The following is an entry in ClinVar:

ClinVar aggregate classification (germline): Uncertain significance (1 of 4 stars; one submission).

Conditions:
Severe combined immunodeficiency due to CORO1A deficiency. Also called: IMMUNODEFICIENCY 8 WITH LYMPHOPROLIFERATION; Immunodeficiency 8. Identifiers: Orphanet 228003, MedGen C3809383, MONDO:0014168, OMIM 615401.

Allele frequency attached by ClinVar (database versions not stated): gnomAD exomes below 0.00001; gnomAD 0.00001; TOPMed 0.00001.
gnomAD v4.1: 4 of 1,613,286 alleles (0.00025%); highest among the groups gnomAD compares: African/African-American, 0.0027%; no homozygotes.

Submission:

Labcorp Genetics (formerly Invitae), Labcorp
Classification: Uncertain significance for Severe combined immunodeficiency due to CORO1A deficiency. Last evaluated: 2022-06-19. Review status: criteria provided, single submitter. Criteria: Invitae Variant Classification Sherloc (09022015). Collection method: clinical testing. Allele origin: germline.
Comment: In summary, the available evidence is currently insufficient to determine the role of this variant in disease. Therefore, it has been classified as a Variant of Uncertain Significance. Algorithms developed to predict the effect of sequence changes on RNA splicing suggest that this variant may create or strengthen a splice site. Algorithms developed to predict the effect of missense changes on protein structure and function (SIFT, PolyPhen-2, Align-GVGD) all suggest that this variant is likely to be tolerated. This variant has not been reported in the literature in individuals affected with CORO1A-related conditions. This variant is present in population databases (no rsID available, gnomAD 0.007%). This sequence change replaces glycine, which is neutral and non-polar, with arginine, which is basic and polar, at codon 386 of the CORO1A protein (p.Gly386Arg).

NM_007074.4(CORO1A):c.1156G>A (p.Gly386Arg)

Gene: CORO1A (coronin 1A; plus strand). Cytogenetic location: 16p11.2.
Variant type: single nucleotide variant.
Coding change: c.1156G>A on transcript NM_007074.4 (MANE Select); coding-DNA position 1156, G replaced by A.
Protein change: p.Gly386Arg; replaces glycine 386 with arginine.
Molecular consequence: missense variant.
Genome position (GRCh38, 1-based): chr16:30,188,451, G>A. VCF-style: chr16-30188451-G-A. GRCh37 (hg19) VCF-style: chr16-30199772-G-A.
Other names: c.1156G>A, p.Gly386Arg (NM_001193333.3); short protein forms G386R.
Identifiers: ClinVar variation 1992829 (VCV001992829.4), dbSNP rs1405595805, ClinGen allele CA395499027.